The following is an entry in ClinVar:

GRCh37/hg19 17q21.33(chr17:48247452-48247763)x0

Gene: SGCA (sarcoglycan alpha; plus strand). Cytogenetic location: 17q21.33.
Variant type: copy number loss.
Change: copy number 0 (both copies lost) of chr17:48,247,452-48,247,763 (0.3 kb, GRCh37 coordinates, 1-based), cytogenetic band 17q21.33.
Identifiers: ClinVar variation 3338435 (VCV003338435.1).

ClinVar aggregate classification (germline): Likely pathogenic (0 of 4 stars; one submission).

Conditions:
Autosomal recessive limb-girdle muscular dystrophy type 2D (LGMDR3). Also called: DUCHENNE-LIKE AUTOSOMAL RECESSIVE MUSCULAR DYSTROPHY, TYPE 2; MUSCULAR DYSTROPHY, LIMB-GIRDLE, AUTOSOMAL RECESSIVE 3; ADHALINOPATHY, PRIMARY. Identifiers: Orphanet 62, MedGen C2936332, MONDO:0011968, OMIM 608099. Disease mechanism: Affects gamma-sarcoglycan and also disrupts the integrity of the entire sarcoglycan complex..

Submission:

Solve-RD Consortium
Classification: Likely pathogenic for Autosomal recessive limb-girdle muscular dystrophy type 2D. Last evaluated: 2024-06-01. Review status: no assertion criteria provided. Collection method: provider interpretation. Allele origin: germline. Affected: yes.
Comment: This CNV was confirmed by the submitting clinician to impact a gene that corresponds with the phenotype of the affected individual, and thus deemed to be causative for their condition.

Literature cited by the submitters: PubMed 39825153.